The following is an entry in ClinVar:

ClinVar aggregate classification (germline): Pathogenic (0 of 4 stars; one submission).

Conditions:
Aplastic anemia. Identifiers: Orphanet 182040, Orphanet 88, MedGen C0002874, MONDO:0015909, OMIM 609135, HP:0001915.

Submission:

GeneReviews
Classification: Pathogenic for Dyskeratosis Congenita. Last evaluated: 2012-05-10. Review status: no assertion criteria provided. Collection method: curation. Allele origin: unknown.
ClinVar note: Converted during submission from pathologic to Pathogenic.

NR_001566.3(TERC):n.322G>A

Genes: TERC (telomerase RNA component; minus strand), LOC110806306 (telomerase RNA component (TERC) promoter; plus strand). Cytogenetic location: 3q26.2.
Variant type: single nucleotide variant.
Genome position: GRCh38 VCF-style: chr3-169764739-C-T. GRCh37 (hg19) VCF-style: chr3-169482527-C-T.
Other names: NR_001566.1:r.322g>a (G322A).
Identifiers: ClinVar variation 39290 (VCV000039290.3), dbSNP rs199422280, ClinGen allele CA343762.